The following is an entry in ClinVar:

NM_000321.3(RB1):c.1341del (p.Lys447fs)

Gene: RB1 (RB transcriptional corepressor 1; plus strand). Cytogenetic location: 13q14.2.
Variant type: Deletion.
Coding change: c.1341del on transcript NM_000321.3 (MANE Select); coding-DNA position 1341, one base deleted (A; older notation c.1341delA).
Protein change: p.Lys447fs; shifts the reading frame from lysine 447.
Molecular consequence: frameshift variant.
Genome position (GRCh38, 1-based): chr13:48,379,602, A deleted; the last of 3 consecutive A bases (chr13:48,379,600-48,379,602); deleting any one gives the same sequence. VCF-style (leftmost placement, unchanged base first): chr13-48379599-CA-C. GRCh37 (hg19) VCF-style: chr13-48953735-CA-C.
Other names: c.1341del, p.Lys447fs (NM_001407165.1, NM_001407166.1); short protein forms K447fs.
Identifiers: ClinVar variation 2725311 (VCV002725311.3), dbSNP rs2542202770, ClinGen allele CA2697551849.

ClinVar aggregate classification (germline): Pathogenic (1 of 4 stars; one submission).

Conditions:
Retinoblastoma (RB1). Also called: RETINOBLASTOMA, SOMATIC. Identifiers: Orphanet 790, MedGen C0035335, MeSH D012175, MONDO:0008380, OMIM 180200, HP:0009919. Disease mechanism: loss of function. Inheritance: Both sporadic and heritable forms are tested..

Submission:

Labcorp Genetics (formerly Invitae), Labcorp
Classification: Pathogenic for Retinoblastoma. Last evaluated: 2023-06-14. Review status: criteria provided, single submitter. Criteria: Invitae Variant Classification Sherloc (09022015). Collection method: clinical testing. Allele origin: germline.
Comment: This sequence change creates a premature translational stop signal (p.Lys447Asnfs*10) in the RB1 gene. It is expected to result in an absent or disrupted protein product. Loss-of-function variants in RB1 are known to be pathogenic (PMID: 17096365). This variant is not present in population databases (gnomAD no frequency). This variant has not been reported in the literature in individuals affected with RB1-related conditions. For these reasons, this variant has been classified as Pathogenic.

Literature cited by the submitters: PubMed 17096365.